The following is an entry in ClinVar:

ClinVar aggregate classification (germline): Likely pathogenic (1 of 4 stars; one submission).

Conditions:
Familial dysautonomia. Also called: HSAN III; FD. Identifiers: Orphanet 1764, MedGen C0013364, MONDO:0009131, OMIM 223900. Disease mechanism: loss of function.

Submission:

Natera, Inc.
Classification: Likely pathogenic for Familial dysautonomia. Last evaluated: 2025-09-19. Review status: criteria provided, single submitter. Criteria: Natera Variant Classification Schema (03/2026). Collection method: clinical testing. Allele origin: germline.
Comment: The c.93dup variant in ELP1 is a frameshift variant predicted to shift the reading frame beginning at codon 32 and leads to a stop codon 23 codons downstream. This variant is expected to result in nonsense mediated decay, truncation, or a dysfunctional protein product. This variant is rare in the general population with a frequency below the threshold expected for the associated phenotype(s). Given the available evidence, this variant is classified as Likely Pathogenic.

NM_003640.5(ELP1):c.93dup (p.Thr32fs)

Gene: ELP1 (elongator acetyltransferase complex subunit 1; minus strand). Cytogenetic location: 9q31.3.
Variant type: Duplication.
Coding change: c.93dup on transcript NM_003640.5 (MANE Select); coding-DNA position 93, one base duplicated (G; older notation c.93dupG).
Protein change: p.Thr32fs; shifts the reading frame from threonine 32.
Molecular consequence: frameshift variant. On other transcripts: 5 prime UTR variant (1).
Genome position (GRCh38, 1-based): chr9:108,931,054, C duplicated on the plus strand (G on the coding strand, the reverse complement: ELP1 is on the minus strand); the first of 4 consecutive C bases (chr9:108,931,054-108,931,057); duplicating any one gives the same sequence. VCF-style (leftmost placement, unchanged base first): chr9-108931053-T-TC. GRCh37 (hg19) VCF-style: chr9-111693333-T-TC.
Other names: c.-767dup (NM_001330749.2); short protein forms T32fs.
Identifiers: ClinVar variation 4815254 (VCV004815254.1).